The following is an entry in ClinVar:

NM_004369.4(COL6A3):c.4143C>G (p.Ile1381Met)

Gene: COL6A3 (collagen type VI alpha 3 chain; minus strand). Cytogenetic location: 2q37.3.
Variant type: single nucleotide variant.
Coding change: c.4143C>G on transcript NM_004369.4 (MANE Select); coding-DNA position 4143, C replaced by G.
Protein change: p.Ile1381Met; replaces isoleucine 1381 with methionine.
Molecular consequence: missense variant.
Genome position (GRCh38, 1-based): chr2:237,371,874, G>C on the plus strand (C>G on the coding strand, the complement: COL6A3 is on the minus strand). VCF-style: chr2-237371874-G-C. GRCh37 (hg19) VCF-style: chr2-238280517-G-C.
Other names: c.2922C>G, p.Ile974Met (NM_057164.5); c.3525C>G, p.Ile1175Met (NM_057165.5, NM_057167.4); c.2322C>G, p.Ile774Met (NM_057166.5); short protein forms I1381M, I774M, I974M, I1175M.
Identifiers: ClinVar variation 4763236 (VCV004763236.1).

ClinVar aggregate classification (germline): Uncertain significance (1 of 4 stars; one submission).

Conditions:
Bethlem myopathy 1A. Also called: Bethlem myopathy 1; Bethlem Muscular Dystrophy; MYOPATHY, BENIGN CONGENITAL, WITH CONTRACTURES. Identifiers: Orphanet 610, MedGen CN029274, MONDO:0024530, OMIM 158810.

Submission:

Labcorp Genetics (formerly Invitae), Labcorp
Classification: Uncertain significance for Bethlem myopathy 1A. Last evaluated: 2025-06-03. Review status: criteria provided, single submitter. Criteria: Invitae Variant Classification Sherloc (09022015). Collection method: clinical testing. Allele origin: germline.
Comment: This sequence change replaces isoleucine, which is neutral and non-polar, with methionine, which is neutral and non-polar, at codon 1381 of the COL6A3 protein (p.Ile1381Met). This variant is not present in population databases (gnomAD no frequency). This variant has not been reported in the literature in individuals affected with COL6A3-related conditions. Invitae Evidence Modeling of protein sequence and biophysical properties (such as structural, functional, and spatial information, amino acid conservation, physicochemical variation, residue mobility, and thermodynamic stability) indicates that this missense variant is not expected to disrupt COL6A3 protein function with a negative predictive value of 80%. In summary, the available evidence is currently insufficient to determine the role of this variant in disease. Therefore, it has been classified as a Variant of Uncertain Significance.